The following is an entry in ClinVar:

NM_032242.4(PLXNA1):c.1406G>C (p.Gly469Ala)

Gene: PLXNA1 (plexin A1; plus strand). Cytogenetic location: 3q21.3.
Variant type: single nucleotide variant.
Coding change: c.1406G>C on transcript NM_032242.4 (MANE Select); coding-DNA position 1406, G replaced by C.
Protein change: p.Gly469Ala; replaces glycine 469 with alanine.
Molecular consequence: missense variant.
Genome position (GRCh38, 1-based): chr3:127,003,358, G>C. VCF-style: chr3-127003358-G-C. GRCh37 (hg19) VCF-style: chr3-126722201-G-C.
Other names: short protein forms G469A.
Identifiers: ClinVar variation 4874548 (VCV004874548.2).

ClinVar aggregate classification (germline): Uncertain significance (1 of 4 stars; one submission).

Submission:

CeGaT Center for Human Genetics Tuebingen
Classification: Uncertain significance. Last evaluated: 2026-04-01. Review status: criteria provided, single submitter. Criteria: CeGaT Center For Human Genetics Tuebingen Variant Classification Criteria Version 2. Collection method: clinical testing. Allele origin: germline. Affected: yes. Observed: 1 variant allele.
Comment: PLXNA1: PM2, BP4